The following is an entry in ClinVar:

NM_138420.4(AHNAK2):c.2475G>T (p.Glu825Asp)

Gene: AHNAK2 (AHNAK nucleoprotein 2; minus strand). Cytogenetic location: 14q32.33.
Variant type: single nucleotide variant.
Coding change: c.2475G>T on transcript NM_138420.4 (MANE Select); coding-DNA position 2475, G replaced by T.
Protein change: p.Glu825Asp; replaces glutamic acid 825 with aspartic acid.
Molecular consequence: missense variant.
Genome position (GRCh38, 1-based): chr14:104,952,976, C>A on the plus strand (G>T on the coding strand, the complement: AHNAK2 is on the minus strand). VCF-style: chr14-104952976-C-A. GRCh37 (hg19) VCF-style: chr14-105419313-C-A.
Other names: c.2175G>T, p.Glu725Asp (NM_001350929.2); short protein forms E825D, E725D.
Identifiers: ClinVar variation 2342445 (VCV002342445.3), dbSNP rs201734490, ClinGen allele CA7383482.

ClinVar aggregate classification (germline): Likely benign. Review status: criteria provided, multiple submitters, no conflicts (2 of 4 stars). 2 submissions from 2 submitters: Likely benign (2). Last evaluated 2026-07-01.

Allele frequency attached by ClinVar (database versions not stated): 1000 Genomes Project 30x 0.00437.

Submissions (2):

CeGaT Center for Human Genetics Tuebingen
Classification: Likely benign. Last evaluated: 2026-07-01. Review status: criteria provided, single submitter. Criteria: CeGaT Center For Human Genetics Tuebingen Variant Classification Criteria Version 2. Collection method: clinical testing. Allele origin: germline. Affected: yes. Observed: 1 variant allele.
Comment: AHNAK2: BP4

Ambry Genetics
Classification: Likely benign. Last evaluated: 2021-06-11. Review status: criteria provided, single submitter. Criteria: Ambry Variant Classification Scheme 2023. Collection method: clinical testing. Allele origin: germline.